The following is an entry in ClinVar:

ClinVar aggregate classification (germline): Uncertain significance (1 of 4 stars; one submission).

gnomAD v4.1: 5 of 1,614,090 alleles (0.00031%); highest among the groups gnomAD compares: Middle Eastern, 0.017%; no homozygotes.

Submission:

GeneDx
Classification: Uncertain significance. Last evaluated: 2024-02-28. Review status: criteria provided, single submitter. Criteria: GeneDx Variant Classification Process June 2021. Collection method: clinical testing. Allele origin: germline. Affected: yes.
Comment: Not observed at significant frequency in large population cohorts (gnomAD); In silico analysis supports that this missense variant does not alter protein structure/function; Has not been previously published as pathogenic or benign to our knowledge

NM_004999.4(MYO6):c.1616G>A (p.Ser539Asn)

Gene: MYO6 (myosin VI; plus strand). Cytogenetic location: 6q14.1.
Variant type: single nucleotide variant.
Coding change: c.1616G>A on transcript NM_004999.4 (MANE Select); coding-DNA position 1616, G replaced by A.
Protein change: p.Ser539Asn; replaces serine 539 with asparagine.
Molecular consequence: missense variant. On other transcripts: non-coding transcript variant (1).
Genome position (GRCh38, 1-based): chr6:75,862,665, G>A. VCF-style: chr6-75862665-G-A. GRCh37 (hg19) VCF-style: chr6-76572382-G-A.
Other names: c.1616G>A, p.Ser539Asn (NM_001300899.2, NM_001368136.1, NM_001368137.1 and 2 more transcripts); c.1601G>A, p.Ser534Asn (NM_001368138.1); short protein forms S534N, S539N.
Identifiers: ClinVar variation 3369865 (VCV003369865.1).